The following is an entry in ClinVar:

ClinVar aggregate classification (germline): Benign. Review status: criteria provided, multiple submitters, no conflicts (2 of 4 stars). 3 submissions from 3 submitters: Benign (2). 1 of the submissions does not count toward it. Last evaluated 2026-01-17.

Conditions:
EXPH5-related disorder. Also called: EXPH5-related condition.

Allele frequency attached by ClinVar (database versions not stated): gnomAD exomes 0.00054 and 0.00135; ExAC 0.00166; 1000 Genomes Project 0.00479; 1000 Genomes Project 30x 0.00531; gnomAD 0.00562 and 0.00605; TOPMed 0.00626; ESP Exome Variant Server 0.00639.
gnomAD v4.1: 1,662 of 1,613,210 alleles (0.1%); highest among the groups gnomAD compares: African/African-American, 1.9%; 13 homozygotes.

Submissions (3):

Labcorp Genetics (formerly Invitae), Labcorp
Classification: Benign. Last evaluated: 2026-01-17. Review status: criteria provided, single submitter. Criteria: Invitae Variant Classification Sherloc (09022015). Collection method: clinical testing. Allele origin: germline.

Breakthrough Genomics
Classification: Benign. Review status: criteria provided, single submitter. Criteria: ACMG Guidelines, 2015. Collection method: not provided. Allele origin: germline. Inheritance: Autosomal recessive inheritance. Affected: yes.

PreventionGenetics, part of Exact Sciences
Classification: Likely benign for EXPH5-related condition. Last evaluated: 2024-07-23. Review status: no assertion criteria provided. Collection method: clinical testing. Allele origin: germline. Not counted in ClinVar's aggregate classification.
Comment: This variant is classified as likely benign based on ACMG/AMP sequence variant interpretation guidelines (Richards et al. 2015 PMID: 25741868, with internal and published modifications).

NM_015065.3(EXPH5):c.1197C>T (p.Pro399=)

Gene: EXPH5 (exophilin 5; minus strand). Cytogenetic location: 11q22.3.
Variant type: single nucleotide variant.
Coding change: c.1197C>T on transcript NM_015065.3 (MANE Select); coding-DNA position 1197, C replaced by T.
Protein change: p.Pro399=; no amino-acid change (proline 399 retained).
Molecular consequence: synonymous variant.
Genome position (GRCh38, 1-based): chr11:108,514,310, G>A on the plus strand (C>T on the coding strand, the complement: EXPH5 is on the minus strand). VCF-style: chr11-108514310-G-A. GRCh37 (hg19) VCF-style: chr11-108385037-G-A.
Other names: c.969C>T, p.Pro323= (NM_001144763.2); c.729C>T, p.Pro243= (NM_001144764.2); c.633C>T, p.Pro211= (NM_001144765.2); c.1176C>T, p.Pro392= (NM_001308019.2).
Identifiers: ClinVar variation 790108 (VCV000790108.7), dbSNP rs35457694, ClinGen allele CA6268077.